The following is an entry in ClinVar:

NM_006206.6(PDGFRA):c.2562+2T>C

Gene: PDGFRA (platelet derived growth factor receptor alpha; plus strand). Cytogenetic location: 4q12.
Variant type: single nucleotide variant.
Coding change: c.2562+2T>C on transcript NM_006206.6 (MANE Select); the canonical splice donor site of the intron after coding-DNA position 2562, T replaced by C.
Molecular consequence: splice donor variant.
Genome position (GRCh38, 1-based): chr4:54,285,965, T>C. VCF-style: chr4-54285965-T-C. GRCh37 (hg19) VCF-style: chr4-55152132-T-C.
Other names: c.2637+2T>C (NM_001347828.2); c.2562+2T>C (NM_001347829.2); c.2601+2T>C (NM_001347830.2).
Identifiers: ClinVar variation 1481677 (VCV001481677.8), dbSNP rs2110338469, ClinGen allele CA356895117.

ClinVar aggregate classification (germline): Uncertain significance (1 of 4 stars; one submission).

Conditions:
Gastrointestinal stromal tumor. Also called: Gastrointestinal stroma tumor; Gastrointestinal stromal tumor, somatic. Identifiers: Orphanet 44890, MedGen C0238198, MeSH D046152, MONDO:0011719, OMIM 606764, HP:0100723.

Submission:

Labcorp Genetics (formerly Invitae), Labcorp
Classification: Uncertain significance for Gastrointestinal stromal tumor. Last evaluated: 2024-04-10. Review status: criteria provided, single submitter. Criteria: Invitae Variant Classification Sherloc (09022015). Collection method: clinical testing. Allele origin: germline.
Comment: This sequence change affects a donor splice site in intron 18 of the PDGFRA gene. It is expected to disrupt RNA splicing. Variants that disrupt the donor or acceptor splice site typically lead to a loss of protein function (PMID: 16199547), however the current clinical and genetic evidence is not sufficient to establish whether loss-of-function variants in PDGFRA cause disease. This variant is not present in population databases (gnomAD no frequency). This variant has not been reported in the literature in individuals affected with PDGFRA-related conditions. ClinVar contains an entry for this variant (Variation ID: 1481677). Algorithms developed to predict the effect of sequence changes on RNA splicing suggest that this variant may disrupt the consensus splice site. In summary, the available evidence is currently insufficient to determine the role of this variant in disease. Therefore, it has been classified as a Variant of Uncertain Significance.

Literature cited by the submitters: PubMed 16199547.